The following is an entry in ClinVar:

ClinVar aggregate classification (germline): Uncertain significance. Review status: criteria provided, multiple submitters, no conflicts (2 of 4 stars). 3 submissions from 3 submitters: Uncertain significance (3). Last evaluated 2025-08-03.

Conditions:
Inborn genetic diseases. Identifiers: MedGen C0950123, MeSH D030342.
Congenital myasthenic syndrome 5. Identifiers: Orphanet 590, MedGen C1864233, MONDO:0011281, OMIM 603034.

Allele frequency attached by ClinVar (database versions not stated): TOPMed 0.00001; gnomAD 0.00003.
gnomAD v4.1: 13 of 1,614,012 alleles (0.00081%); highest among the groups gnomAD compares: Non-Finnish European, 0.0011%; no homozygotes.

Submissions (3):

Ambry Genetics
Classification: Uncertain significance for Inborn genetic diseases. Last evaluated: 2025-08-03. Review status: criteria provided, single submitter. Criteria: Ambry Variant Classification Scheme 2023. Collection method: clinical testing. Allele origin: germline.

Labcorp Genetics (formerly Invitae), Labcorp
Classification: Uncertain significance for Congenital myasthenic syndrome 5. Last evaluated: 2022-04-14. Review status: criteria provided, single submitter. Criteria: Invitae Variant Classification Sherloc (09022015). Collection method: clinical testing. Allele origin: germline.
Comment: This sequence change replaces glycine, which is neutral and non-polar, with alanine, which is neutral and non-polar, at codon 225 of the COLQ protein (p.Gly225Ala). This variant is present in population databases (rs780362486, gnomAD 0.003%). This variant has not been reported in the literature in individuals affected with COLQ-related conditions. ClinVar contains an entry for this variant (Variation ID: 193886). Algorithms developed to predict the effect of missense changes on protein structure and function are either unavailable or do not agree on the potential impact of this missense change (SIFT: "Deleterious"; PolyPhen-2: "Not Available"; Align-GVGD: "Class C55"). In summary, the available evidence is currently insufficient to determine the role of this variant in disease. Therefore, it has been classified as a Variant of Uncertain Significance.

Eurofins Ntd Llc (ga)
Classification: Uncertain significance. Last evaluated: 2015-03-02. Review status: criteria provided, single submitter. Criteria: EGL Classification Definitions 2015. Collection method: clinical testing. Allele origin: germline. Observed: 1 variant allele, 1 heterozygote.

NM_005677.4(COLQ):c.674G>C (p.Gly225Ala)

Gene: COLQ (collagen like tail subunit of asymmetric acetylcholinesterase; minus strand). Cytogenetic location: 3p25.1.
Variant type: single nucleotide variant.
Coding change: c.674G>C on transcript NM_005677.4 (MANE Select); coding-DNA position 674, G replaced by C.
Protein change: p.Gly225Ala; replaces glycine 225 with alanine.
Molecular consequence: missense variant.
Genome position (GRCh38, 1-based): chr3:15,470,579, C>G on the plus strand (G>C on the coding strand, the complement: COLQ is on the minus strand). VCF-style: chr3-15470579-C-G. GRCh37 (hg19) VCF-style: chr3-15512086-C-G.
Other names: c.674G>C (NM_005677.3); c.644G>C, p.Gly215Ala (NM_080538.2); c.572G>C, p.Gly191Ala (NM_080539.4); short protein forms G225A, G191A, G215A.
Identifiers: ClinVar variation 193886 (VCV000193886.7), dbSNP rs780362486, ClinGen allele CA239584.